The following is an entry in ClinVar:

NM_001386393.1(PANK2):c.325G>A (p.Gly109Ser)

Gene: PANK2 (pantothenate kinase 2; plus strand). Cytogenetic location: 20p13.
Variant type: single nucleotide variant.
Coding change: c.325G>A on transcript NM_001386393.1 (MANE Select); coding-DNA position 325, G replaced by A.
Protein change: p.Gly109Ser; replaces glycine 109 with serine.
Molecular consequence: missense variant. On other transcripts: 5 prime UTR variant (4), non-coding transcript variant (1).
Genome position (GRCh38, 1-based): chr20:3,907,952, G>A. VCF-style: chr20-3907952-G-A. GRCh37 (hg19) VCF-style: chr20-3888599-G-A.
Other names: c.-219G>A (NM_001324191.2, NM_024960.6, NM_153640.4); c.655G>A, p.Gly219Ser (NM_001324192.1, NM_153638.4); c.-511G>A (NM_001324193.2); short protein forms G109S, G219S.
Identifiers: ClinVar variation 2500822 (VCV002500822.1), dbSNP rs1209839076, ClinGen allele CA408112198.
Genomic context (GRCh38, chr20:3,907,952, plus strand): 5'-AAGCTGTTCTGACTTATTTTTCTTCCCCATTTAGTTTTTCCATGGTTTGGACTGGATATC[G>A]GTGGAACTCTGGTCAAGCTGGTATATTTTGAACCCAAAGACATCACTGCTGAAGAAGAAG-3'
Protein context (NP_001373322.1, residues 99-119): PLFPWFGLDI[Gly109Ser]GTLVKLVYFE

ClinVar aggregate classification (germline): Likely pathogenic (1 of 4 stars; one submission).

Conditions:
Pigmentary pallidal degeneration (NBIA1). Also called: Pantothenate Kinase-Associated Neurodegeneration; Neuroaxonal dystrophy, late infantile; Hallervorden-Spatz disease; Neurodegeneration with brain iron accumulation 1; HARP SYNDROME; PKAN NEUROAXONAL DYSTROPHY, JUVENILE-ONSET. Identifiers: Orphanet 157850, MedGen C0018523, MONDO:0009319, OMIM 234200.

Allele frequency attached by ClinVar (database versions not stated): TOPMed below 0.00001; gnomAD 0.00001; gnomAD exomes 0.00001.
gnomAD v4.1: 10 of 1,613,934 alleles (0.00062%); highest among the groups gnomAD compares: East Asian, 0.0067%; no homozygotes.

Submission:

Pangenia Genomics, Pangenia Inc.
Classification: Likely pathogenic for Pigmentary pallidal degeneration. Last evaluated: 2022-01-14. Review status: criteria provided, single submitter. Criteria: ACMG Guidelines, 2015. Collection method: research. Allele origin: germline, unknown. Inheritance: Autosomal recessive inheritance. Affected: yes and no. Observed: 1 heterozygote, 2 homozygotes.
Comment: The PANK2, c.655G>A (p. Gly219Ser) variant is of extremely low frequency in population database ; allele frequency in East Asia population is 0.0001 by gnomAD v2.1.1. The variant is homozygous, similar to a variant that has been reported (PMID:28113101) in a Turkey family that 4 family members affected by Pantothenate Kinase Associated Neurodegeneration (PKAN), also known as Neurodegeneration with brain iron accumulation 1, all have the same homozygous variant; their symptoms at onset were all night blindness. There is presence of co-segregation with disease in multiple affected family members in a gene definitively known to cause the disease. Multiple lines of computational evidence support a deleterious effect on the gene/gene product (REVEL = 0. 959).